The following is an entry in ClinVar:

NM_000836.4(GRIN2D):c.1086G>A (p.Arg362=)

Gene: GRIN2D (glutamate ionotropic receptor NMDA type subunit 2D; plus strand). Cytogenetic location: 19q13.33.
Variant type: single nucleotide variant.
Coding change: c.1086G>A on transcript NM_000836.4 (MANE Select); coding-DNA position 1086, G replaced by A.
Protein change: p.Arg362=; no amino-acid change (arginine 362 retained).
Molecular consequence: synonymous variant.
Genome position (GRCh38, 1-based): chr19:48,413,991, G>A. VCF-style: chr19-48413991-G-A. GRCh37 (hg19) VCF-style: chr19-48917248-G-A.
Identifiers: ClinVar variation 3722633 (VCV003722633.2).

ClinVar aggregate classification (germline): Uncertain significance (1 of 4 stars; one submission).

Submission:

Labcorp Genetics (formerly Invitae), Labcorp
Classification: Uncertain significance. Last evaluated: 2024-10-10. Review status: criteria provided, single submitter. Criteria: Invitae Variant Classification Sherloc (09022015). Collection method: clinical testing. Allele origin: germline.
Comment: This sequence change affects codon 362 of the GRIN2D mRNA. It is a 'silent' change, meaning that it does not change the encoded amino acid sequence of the GRIN2D protein. It affects a nucleotide within the consensus splice site. This variant is not present in population databases (gnomAD no frequency). This variant has not been reported in the literature in individuals affected with GRIN2D-related conditions. Algorithms developed to predict the effect of sequence changes on RNA splicing suggest that this variant is not likely to affect RNA splicing. In summary, the available evidence is currently insufficient to determine the role of this variant in disease. Therefore, it has been classified as a Variant of Uncertain Significance.